The following is an entry in ClinVar:

NM_014975.3(MAST1):c.1619G>T (p.Arg540Leu)

Gene: MAST1 (microtubule associated serine/threonine kinase 1; plus strand). Cytogenetic location: 19p13.13.
Variant type: single nucleotide variant.
Coding change: c.1619G>T on transcript NM_014975.3 (MANE Select); coding-DNA position 1619, G replaced by T.
Protein change: p.Arg540Leu; replaces arginine 540 with leucine.
Molecular consequence: missense variant.
Genome position (GRCh38, 1-based): chr19:12,865,159, G>T. VCF-style: chr19-12865159-G-T. GRCh37 (hg19) VCF-style: chr19-12975973-G-T.
Other names: short protein forms R540L.
Identifiers: ClinVar variation 4536385 (VCV004536385.1).
Genomic context (GRCh38, chr19:12,865,159, plus strand): 5'-AGATGGGGCTCATGAGCCTCACCACCAACTTATATGAAGGCCACATCGAGAAGGACGCCC[G>T]AGAGTTCCTGGACAAACAGGTGTGTGTGCGGGCATGGGGGTCGCTGAGGGTGGAGTGACC-3'
Protein context (NP_055790.1, residues 530-550): LYEGHIEKDA[Arg540Leu]EFLDKQVCGT

ClinVar aggregate classification (germline): Uncertain significance (1 of 4 stars; one submission).

Submission:

GeneDx
Classification: Uncertain significance. Last evaluated: 2025-06-03. Review status: criteria provided, single submitter. Criteria: GeneDx Variant Classification Process June 2021. Collection method: clinical testing. Allele origin: germline. Affected: yes.
Comment: Not observed at significant frequency in large population cohorts (gnomAD); In silico analysis supports that this missense variant has a deleterious effect on protein structure/function; Has not been previously published as pathogenic or benign to our knowledge